The following is an entry in ClinVar:

NM_017567.6(NAGK):c.654G>A (p.Arg218=)

Gene: NAGK (N-acetylglucosamine kinase; plus strand). Cytogenetic location: 2p13.3.
Variant type: single nucleotide variant.
Coding change: c.654G>A on transcript NM_017567.6 (MANE Select); coding-DNA position 654, G replaced by A.
Protein change: p.Arg218=; no amino-acid change (arginine 218 retained).
Molecular consequence: synonymous variant.
Genome position (GRCh38, 1-based): chr2:71,075,629, G>A. VCF-style: chr2-71075629-G-A. GRCh37 (hg19) VCF-style: chr2-71302759-G-A.
Other names: c.501G>A, p.Arg167= (NM_001330425.3, NM_001330426.2, NM_001365466.2).
Identifiers: ClinVar variation 2651020 (VCV002651020.24), dbSNP rs141425614, ClinGen allele CA1702407.

ClinVar aggregate classification (germline): Likely benign (1 of 4 stars; one submission).

Allele frequency attached by ClinVar (database versions not stated): ExAC 0.00167; 1000 Genomes Project 30x 0.00031; 1000 Genomes Project 0.00040; ESP Exome Variant Server 0.00115; gnomAD 0.00121; TOPMed 0.00132.
gnomAD v4.1: 1,985 of 1,605,664 alleles (0.12%); highest among the groups gnomAD compares: Middle Eastern, 1.2%; 16 homozygotes.

Submission:

CeGaT Center for Human Genetics Tuebingen
Classification: Likely benign. Last evaluated: 2022-11-01. Review status: criteria provided, single submitter. Criteria: CeGaT Center For Human Genetics Tuebingen Variant Classification Criteria Version 2. Collection method: clinical testing. Allele origin: germline. Affected: yes. Observed: 1 variant allele.
Comment: NAGK: BP4, BP7, BS2